The following is an entry in ClinVar:

NM_004629.2(FANCG):c.313G>T (p.Glu105Ter)

Gene: FANCG (FA complementation group G; minus strand). Cytogenetic location: 9p13.3.
Variant type: single nucleotide variant.
Coding change: c.313G>T on transcript NM_004629.2 (MANE Select); coding-DNA position 313, G replaced by T.
Protein change: p.Glu105Ter; replaces glutamic acid 105 with a stop codon.
Molecular consequence: nonsense.
Genome position (GRCh38, 1-based): chr9:35,078,338, C>A on the plus strand (G>T on the coding strand, the complement: FANCG is on the minus strand). VCF-style: chr9-35078338-C-A. GRCh37 (hg19) VCF-style: chr9-35078335-C-A.
Other names: short protein forms E105*.
Identifiers: ClinVar variation 6712 (VCV000006712.64), dbSNP rs121434425, ClinGen allele CA253925.
Genomic context (GRCh38, chr9:35,078,338, plus strand): 5'-CAGAGTCCCACAGCTCCCTGAGCCCCTGTTCCAACCTGGGCCCCTGCTGCTCCTGTGTCT[C>A]CAGCACTGTAGAGTATACACACACACATAGACACACACACAGCTGAAGTAGCACCTCATC-3'

ClinVar aggregate classification (germline): Pathogenic. Review status: criteria provided, multiple submitters, no conflicts (2 of 4 stars). 13 submissions from 13 submitters: Pathogenic (11). 2 of the submissions do not count toward it. Last evaluated 2026-07-06.

Conditions:
FANCG-related disorders.
Fanconi anemia (FA). Also called: Fanconi's anemia. Identifiers: Orphanet 84, MedGen C0015625, MeSH D005199, MONDO:0019391.
Fanconi anemia complementation group D2. Also called: FANCD2-Related Fanconi Anemia; FANCONI PANCYTOPENIA, TYPE 4; FANCONI ANEMIA, COMPLEMENTATION GROUP D. Identifiers: Orphanet 84, MedGen C3160738, MONDO:0009214, OMIM 227646.
Fanconi anemia complementation group G. Also called: Fanconi anemia group G; FANCG-Related Fanconi Anemia. Identifiers: Orphanet 84, MedGen C3469527, MONDO:0013565, OMIM 614082.

Allele frequency attached by ClinVar (database versions not stated): gnomAD exomes 0.00001; TOPMed 0.00001; gnomAD 0.00001; ExAC 0.00002.

Submissions (13):

Institute of Human Genetics, University of Leipzig Medical Center
Classification: Pathogenic for Fanconi anemia complementation group D2. Last evaluated: 2026-07-06. Review status: criteria provided, single submitter. Criteria: ACMG Guidelines, 2015. Collection method: clinical testing. Allele origin: unknown. Inheritance: Autosomal recessive inheritance. Affected: yes.
Comment: Criteria applied: PVS1,PM3_VSTR,PS3_SUP,PM2_SUP

Labcorp Genetics (formerly Invitae), Labcorp
Classification: Pathogenic for Fanconi anemia. Last evaluated: 2025-07-09. Review status: criteria provided, single submitter. Criteria: Invitae Variant Classification Sherloc (09022015). Collection method: clinical testing. Allele origin: germline.
Comment: This sequence change creates a premature translational stop signal (p.Glu105*) in the FANCG gene. It is expected to result in an absent or disrupted protein product. Loss-of-function variants in FANCG are known to be pathogenic (PMID: 12552564). This variant is present in population databases (rs121434425, gnomAD 0.004%). This premature translational stop signal has been observed in individual(s) with Fanconi anemia (PMID: 9806548, 11093276). In at least one individual the data is consistent with being in trans (on the opposite chromosome) from a pathogenic variant. It is commonly reported in individuals of German ancestry (PMID: 11093276, 12673805). ClinVar contains an entry for this variant (Variation ID: 6712). Algorithms developed to predict the effect of sequence changes on RNA splicing suggest that this variant may disrupt the consensus splice site. For these reasons, this variant has been classified as Pathogenic.

Natera, Inc.
Classification: Pathogenic for Fanconi anemia group G. Last evaluated: 2025-04-19. Review status: criteria provided, single submitter. Criteria: Natera Variant Classification Schema (03/2026). Collection method: clinical testing. Allele origin: germline.
Comment: The c.313G>T variant in FANCG is a nonsense variant predicted to introduce a stop codon at amino acid 105. This variant is expected to result in nonsense mediated decay, truncation, or a dysfunctional protein product. This variant is rare in the general population with a frequency below the threshold expected for the associated phenotype(s). This variant has been observed in one or more individuals affected with the associated recessive disease, as either homozygous or compound heterozygous with a second variant (PMID: 9806548, 11093276). Given the available evidence, this variant is classified as Pathogenic.

GeneDx
Classification: Pathogenic. Last evaluated: 2025-03-18. Review status: criteria provided, single submitter. Criteria: GeneDx Variant Classification Process June 2021. Collection method: clinical testing. Allele origin: germline. Affected: yes.
Comment: Nonsense variant predicted to result in protein truncation or nonsense mediated decay in a gene for which loss of function is a known mechanism of disease; Published functional studies demonstrate a defect in DNA damage repair (PMID: 39149814); This variant is associated with the following publications: (PMID: 25525159, 31589614, 36451132, 11093276, 28627524, 22778927, 31256854, 28485484, 9806548, 29625052, 34308104, 35216452, 39149814)

CeGaT Center for Human Genetics Tuebingen
Classification: Pathogenic. Last evaluated: 2024-08-01. Review status: criteria provided, single submitter. Criteria: CeGaT Center For Human Genetics Tuebingen Variant Classification Criteria Version 2. Collection method: clinical testing. Allele origin: germline. Affected: yes. Observed: 3 variant alleles.
Comment: FANCG: PVS1, PM2

Fulgent Genetics
Classification: Pathogenic for Fanconi anemia complementation group G. Last evaluated: 2024-04-25. Review status: criteria provided, single submitter. Criteria: ACMG Guidelines, 2015. Collection method: clinical testing. Allele origin: germline.

Baylor Genetics
Classification: Pathogenic for Fanconi anemia complementation group G. Last evaluated: 2024-03-04. Review status: criteria provided, single submitter. Criteria: ACMG Guidelines, 2015. Collection method: clinical testing. Allele origin: unknown.

Blueprint Genetics
Classification: Pathogenic for FANCG-related disorders. Last evaluated: 2022-11-15. Review status: criteria provided, single submitter. Criteria: ACMG Guidelines, 2015. Collection method: clinical testing. Allele origin: germline. Affected: yes. Observed: 2 variant alleles.

Institute for Clinical Genetics, University Hospital TU Dresden, University Hospital TU Dresden
Classification: Pathogenic. Last evaluated: 2021-11-03. Review status: criteria provided, single submitter. Criteria: ACMG Guidelines, 2015. Collection method: clinical testing. Allele origin: germline.

Molecular Diagnostics Laboratory, M Health Fairview: University of Minnesota
Classification: Pathogenic for Fanconi anemia complementation group G. Last evaluated: 2017-12-26. Review status: criteria provided, single submitter. Criteria: ACMG Guidelines, 2015. Collection method: clinical testing. Allele origin: germline. Affected: yes. Observed: 3 variant alleles.

Juno Genomics, Hangzhou Juno Genomics, Inc
Classification: Pathogenic for Fanconi anemia complementation group G. Review status: criteria provided, single submitter. Criteria: ACMG Guidelines, 2015. Collection method: clinical testing. Allele origin: germline.
Comment: Absent from controls (or at extremely low frequency if recessive) in Genome Aggregation Database.;Null variant in a gene where loss of function (LOF) is a known mechanism of disease.;For recessive disorders, detected in trans with a pathogenic variant.

Leiden Open Variation Database
Classification: Pathogenic for Fanconi anemia complementation group G. Last evaluated: 2011-02-07. Review status: no assertion criteria provided. Collection method: curation. Allele origin: germline. Affected: yes. Not counted in ClinVar's aggregate classification.
Comment: Curator: Arleen D. Auerbach. Submitter to LOVD: Arleen D. Auerbach.

OMIM
Classification: Pathogenic for FANCONI ANEMIA, COMPLEMENTATION GROUP G. Last evaluated: 2000-11-01. Review status: no assertion criteria provided. Collection method: literature only. Allele origin: germline. Not counted in ClinVar's aggregate classification.

Literature cited by the submitters: PubMed 12552564 (cited by Labcorp Genetics (formerly Invitae), Labcorp and Leiden Open Variation Database); PubMed 9806548 (cited by 4 submitters); PubMed 11093276 (cited by 5 submitters); PubMed 12673805 (cited by Labcorp Genetics (formerly Invitae), Labcorp); PubMed 09806548 (cited by Leiden Open Variation Database).